The following is an entry in ClinVar:

NM_001122681.2(SH3BP2):c.879A>C (p.Lys293Asn)

Gene: SH3BP2 (SH3 domain binding protein 2; plus strand). Cytogenetic location: 4p16.3.
Variant type: single nucleotide variant.
Coding change: c.879A>C on transcript NM_001122681.2 (MANE Select); coding-DNA position 879, A replaced by C.
Protein change: p.Lys293Asn; replaces lysine 293 with asparagine.
Molecular consequence: missense variant.
Genome position (GRCh38, 1-based): chr4:2,829,785, A>C. VCF-style: chr4-2829785-A-C. GRCh37 (hg19) VCF-style: chr4-2831512-A-C.
Other names: c.963A>C, p.Lys321Asn (NM_001145855.2); c.1050A>C, p.Lys350Asn (NM_001145856.2); c.879A>C, p.Lys293Asn (NM_003023.4); short protein forms K293N, K350N, K321N.
Identifiers: ClinVar variation 2702295 (VCV002702295.3), dbSNP rs548742750, ClinGen allele CA91411364.

ClinVar aggregate classification (germline): Uncertain significance (1 of 4 stars; one submission).

Conditions:
Fibrous dysplasia of jaw (CRBM). Also called: Cherubism. Identifiers: Orphanet 184, MedGen C0008029, MONDO:0007315, OMIM 118400.

Submission:

Labcorp Genetics (formerly Invitae), Labcorp
Classification: Uncertain significance for Fibrous dysplasia of jaw. Last evaluated: 2024-05-29. Review status: criteria provided, single submitter. Criteria: Invitae Variant Classification Sherloc (09022015). Collection method: clinical testing. Allele origin: germline.
Comment: This sequence change replaces lysine, which is basic and polar, with asparagine, which is neutral and polar, at codon 293 of the SH3BP2 protein (p.Lys293Asn). This variant is not present in population databases (gnomAD no frequency). This variant has not been reported in the literature in individuals affected with SH3BP2-related conditions. Advanced modeling of protein sequence and biophysical properties (such as structural, functional, and spatial information, amino acid conservation, physicochemical variation, residue mobility, and thermodynamic stability) performed at Invitae indicates that this missense variant is not expected to disrupt SH3BP2 protein function with a negative predictive value of 80%. In summary, the available evidence is currently insufficient to determine the role of this variant in disease. Therefore, it has been classified as a Variant of Uncertain Significance.